The following is an entry in ClinVar:

NM_019066.5(MAGEL2):c.2968C>T (p.Pro990Ser)

Gene: MAGEL2 (MAGE family member L2; minus strand). Cytogenetic location: 15q11.2.
Variant type: single nucleotide variant.
Coding change: c.2968C>T on transcript NM_019066.5 (MANE Select); coding-DNA position 2968, C replaced by T.
Protein change: p.Pro990Ser; replaces proline 990 with serine.
Molecular consequence: missense variant.
Genome position (GRCh38, 1-based): chr15:23,644,775, G>A on the plus strand (C>T on the coding strand, the complement: MAGEL2 is on the minus strand). VCF-style: chr15-23644775-G-A. GRCh37 (hg19) VCF-style: chr15-23889922-G-A.
Other names: short protein forms P990S.
Identifiers: ClinVar variation 2993756 (VCV002993756.3), dbSNP rs2503975558, ClinGen allele CA391326794.

ClinVar aggregate classification (germline): Uncertain significance (1 of 4 stars; one submission).

Submission:

Labcorp Genetics (formerly Invitae), Labcorp
Classification: Uncertain significance. Last evaluated: 2023-10-05. Review status: criteria provided, single submitter. Criteria: Invitae Variant Classification Sherloc (09022015). Collection method: clinical testing. Allele origin: germline.
Comment: This sequence change replaces proline, which is neutral and non-polar, with serine, which is neutral and polar, at codon 990 of the MAGEL2 protein (p.Pro990Ser). This variant is not present in population databases (gnomAD no frequency). This variant has not been reported in the literature in individuals affected with MAGEL2-related conditions. Advanced modeling of protein sequence and biophysical properties (such as structural, functional, and spatial information, amino acid conservation, physicochemical variation, residue mobility, and thermodynamic stability) performed at Invitae indicates that this missense variant is not expected to disrupt MAGEL2 protein function. In summary, the available evidence is currently insufficient to determine the role of this variant in disease. Therefore, it has been classified as a Variant of Uncertain Significance.